The following is an entry in ClinVar:

ClinVar aggregate classification (germline): Uncertain significance (1 of 4 stars; one submission).

Conditions:
Inborn genetic diseases. Identifiers: MedGen C0950123, MeSH D030342.

Submission:

Ambry Genetics
Classification: Uncertain significance for Inborn genetic diseases. Last evaluated: 2023-02-12. Review status: criteria provided, single submitter. Criteria: Ambry Variant Classification Scheme 2023. Collection method: clinical testing. Allele origin: germline.
Comment: The p.P177Q variant (also known as c.530C>A), located in coding exon 4 of the SMAD2 gene, results from a C to A substitution at nucleotide position 530. The proline at codon 177 is replaced by glutamine, an amino acid with similar properties. This amino acid position is conserved. In addition, this alteration is predicted to be deleterious by in silico analysis. Since supporting evidence is limited at this time, the clinical significance of this alteration remains unclear.

NM_005901.6(SMAD2):c.530C>A (p.Pro177Gln)

Gene: SMAD2 (SMAD family member 2; minus strand). Cytogenetic location: 18q21.1.
Variant type: single nucleotide variant.
Coding change: c.530C>A on transcript NM_005901.6 (MANE Select); coding-DNA position 530, C replaced by A.
Protein change: p.Pro177Gln; replaces proline 177 with glutamine.
Molecular consequence: missense variant.
Genome position (GRCh38, 1-based): chr18:47,868,448, G>T on the plus strand (C>A on the coding strand, the complement: SMAD2 is on the minus strand). VCF-style: chr18-47868448-G-T. GRCh37 (hg19) VCF-style: chr18-45394819-G-T.
Other names: c.530C>A, p.Pro177Gln (NM_001003652.4); c.440C>A, p.Pro147Gln (NM_001135937.3); short protein forms P147Q, P177Q.
Identifiers: ClinVar variation 2452586 (VCV002452586.2), dbSNP rs751894908, ClinGen allele CA8956237.